The following is an entry in ClinVar:

NM_006147.4(IRF6):c.*1265G>C

Gene: IRF6 (interferon regulatory factor 6; minus strand). Cytogenetic location: 1q32.2.
Variant type: single nucleotide variant.
Coding change: c.*1265G>C on transcript NM_006147.4 (MANE Select); 1265 bases downstream of the stop codon, G replaced by C.
Molecular consequence: 3 prime UTR variant.
Genome position (GRCh38, 1-based): chr1:209,787,155, C>G on the plus strand (G>C on the coding strand, the complement: IRF6 is on the minus strand). VCF-style: chr1-209787155-C-G. GRCh37 (hg19) VCF-style: chr1-209960500-C-G.
Other names: c.*1265G>C (NM_001206696.2).
Identifiers: ClinVar variation 295185 (VCV000295185.6), dbSNP rs149425923, ClinGen allele CA10608899.

ClinVar aggregate classification (germline): Benign. Review status: criteria provided, multiple submitters, no conflicts (2 of 4 stars). 3 submissions from 2 submitters: Benign (3). Last evaluated 2018-01-13.

Conditions:
Orofacial cleft 6, susceptibility to (OFC6). Also called: CLEFT LIP WITH OR WITHOUT CLEFT PALATE, NONSYNDROMIC, 6. Identifiers: MedGen C1837213, MONDO:0012141, OMIM 608864.
Van der Woude syndrome 1. Also called: CLEFT LIP AND/OR PALATE WITH MUCOUS CYSTS OF LOWER LIP; van der Woude Syndrome (VWS). Identifiers: MedGen C4551864, MONDO:0007333, OMIM 119300.

Allele frequency attached by ClinVar (database versions not stated): gnomAD 0.00923 and 0.00992; TOPMed 0.01055; 1000 Genomes Project 0.01258; 1000 Genomes Project 30x 0.01343.

Submissions (3):

Illumina Laboratory Services, Illumina
Classification: Benign for Van der Woude syndrome 1. Last evaluated: 2018-01-13. Review status: criteria provided, single submitter. Criteria: ICSL Variant Classification Criteria 13 December 2019. Collection method: clinical testing. Allele origin: germline.
Comment: This variant was observed in the ICSL laboratory as part of a predisposition screen in an ostensibly healthy population. It had not been previously curated by ICSL or reported in the Human Gene Mutation Database (HGMD: prior to June 1st, 2018), and was therefore a candidate for classification through an automated scoring system. Utilizing variant allele frequency, disease prevalence and penetrance estimates, and inheritance mode, an automated score was calculated to assess if this variant is too frequent to cause the disease. Based on the score and internal cut-off values, a variant classified as benign is not then subjected to further curation. The score for this variant resulted in a classification of benign for this disease.

Illumina Laboratory Services, Illumina
Classification: Benign for Orofacial cleft 6, susceptibility to. Last evaluated: 2018-01-13. Review status: criteria provided, single submitter. Criteria: ICSL Variant Classification Criteria 13 December 2019. Collection method: clinical testing. Allele origin: germline.
Comment: the same text as in the submission from Illumina Laboratory Services, Illumina above.

Breakthrough Genomics
Classification: Benign. Review status: criteria provided, single submitter. Criteria: ACMG Guidelines, 2015. Collection method: not provided. Allele origin: germline. Inheritance: Autosomal dominant inheritance. Affected: yes.